The following is an entry in ClinVar:

ClinVar aggregate classification (germline): Uncertain significance (1 of 4 stars; one submission).

Allele frequency attached by ClinVar (database versions not stated): gnomAD exomes 0.00001; ExAC 0.00002.
gnomAD v4.1: 7 of 1,610,600 alleles (0.00043%); highest among the groups gnomAD compares: Non-Finnish European, 0.00059%; no homozygotes.

Submission:

Labcorp Genetics (formerly Invitae), Labcorp
Classification: Uncertain significance. Last evaluated: 2022-10-13. Review status: criteria provided, single submitter. Criteria: Invitae Variant Classification Sherloc (09022015). Collection method: clinical testing. Allele origin: germline.
Comment: In summary, the available evidence is currently insufficient to determine the role of this variant in disease. Therefore, it has been classified as a Variant of Uncertain Significance. This sequence change replaces methionine, which is neutral and non-polar, with isoleucine, which is neutral and non-polar, at codon 63 of the VPS33A protein (p.Met63Ile). This variant is present in population databases (rs777573548, gnomAD 0.002%). This variant has not been reported in the literature in individuals affected with VPS33A-related conditions. Advanced modeling of protein sequence and biophysical properties (such as structural, functional, and spatial information, amino acid conservation, physicochemical variation, residue mobility, and thermodynamic stability) performed at Invitae indicates that this missense variant is not expected to disrupt VPS33A protein function.

NM_022916.6(VPS33A):c.189G>A (p.Met63Ile)

Gene: VPS33A (VPS33A core subunit of CORVET and HOPS complexes; minus strand). Cytogenetic location: 12q24.31.
Variant type: single nucleotide variant.
Coding change: c.189G>A on transcript NM_022916.6 (MANE Select); coding-DNA position 189, G replaced by A.
Protein change: p.Met63Ile; replaces methionine 63 with isoleucine.
Molecular consequence: missense variant.
Genome position (GRCh38, 1-based): chr12:122,263,679, C>T on the plus strand (G>A on the coding strand, the complement: VPS33A is on the minus strand). VCF-style: chr12-122263679-C-T. GRCh37 (hg19) VCF-style: chr12-122748226-C-T.
Other names: c.156G>A, p.Met52Ile (NM_001351018.2); c.141G>A, p.Met47Ile (NM_001351019.2); c.189G>A, p.Met63Ile (NM_001351020.2, NM_001351021.2); short protein forms M47I, M52I, M63I.
Identifiers: ClinVar variation 1988619 (VCV001988619.4), dbSNP rs777573548, ClinGen allele CA6844676.
Genomic context (GRCh38, chr12:122,263,679, plus strand): 5'-GACAAAAAAAATTATATTCTTCACATCAGCTGCCGGCAAACGATTTCCTTTAAGTGTGAA[C>T]ATTTTTTCCACTTCATGTTCCTAGGCAAACACATACACAAAAGGTTAACAAGAAGACTGA-3'
Protein context (NP_075067.2, residues 53-73): SLLKEHEVEK[Met63Ile]FTLKGNRLPA